The following is an entry in ClinVar:

ClinVar aggregate classification (germline): Uncertain significance (1 of 4 stars; one submission).

Conditions:
PKD1-related disorder. Also called: PKD1-related condition.

Submission:

PreventionGenetics, part of Exact Sciences
Classification: Uncertain significance for PKD1-related condition. Last evaluated: 2026-03-05. Review status: criteria provided, single submitter. Criteria: ACMG Guidelines, 2015. Collection method: clinical testing. Allele origin: germline.
Comment: The PKD1 c.9457C>T variant is predicted to result in the amino acid substitution p.His3153Tyr. To our knowledge, this variant has not been reported in the literature or in a large population database (gnomAD), indicating this variant is rare. At this time, the clinical significance of this variant is uncertain due to the absence of conclusive functional and genetic evidence.

NM_001009944.3(PKD1):c.9457C>T (p.His3153Tyr)

Gene: PKD1 (polycystin 1, transient receptor potential channel interacting; minus strand). Cytogenetic location: 16p13.3.
Variant type: single nucleotide variant.
Coding change: c.9457C>T on transcript NM_001009944.3 (MANE Select); coding-DNA position 9457, C replaced by T.
Protein change: p.His3153Tyr; replaces histidine 3153 with tyrosine.
Molecular consequence: missense variant.
Genome position (GRCh38, 1-based): chr16:2,100,507, G>A on the plus strand (C>T on the coding strand, the complement: PKD1 is on the minus strand). VCF-style: chr16-2100507-G-A. GRCh37 (hg19) VCF-style: chr16-2150508-G-A.
Other names: c.9457C>T, p.His3153Tyr (NM_000296.4); short protein forms H3153Y.
Identifiers: ClinVar variation 4992457 (VCV004992457.1).